The following is an entry in ClinVar:

ClinVar aggregate classification (germline): Uncertain significance (1 of 4 stars; one submission).

Conditions:
Congenital stationary night blindness. Also called: Early-onset non-progressive night blindness. Identifiers: Orphanet 215, MedGen C0339535, MONDO:0016293, HP:0007642.

Allele frequency attached by ClinVar (database versions not stated): gnomAD 0.00001; gnomAD exomes 0.00001; TOPMed 0.00001.
gnomAD v4.1: 9 of 1,614,022 alleles (0.00056%); highest among the groups gnomAD compares: Non-Finnish European, 0.00076%; no homozygotes.

Submission:

Labcorp Genetics (formerly Invitae), Labcorp
Classification: Uncertain significance. Last evaluated: 2020-11-14. Review status: criteria provided, single submitter. Criteria: Invitae Variant Classification Sherloc (09022015). Collection method: clinical testing. Allele origin: germline.
Comment: In summary, the available evidence is currently insufficient to determine the role of this variant in disease. Therefore, it has been classified as a Variant of Uncertain Significance. Advanced modeling of protein sequence and biophysical properties (such as structural, functional, and spatial information, amino acid conservation, physicochemical variation, residue mobility, and thermodynamic stability) performed at Invitae indicates that this missense variant is expected to disrupt GRM6 protein function. This variant has not been reported in the literature in individuals with GRM6-related conditions. This variant is not present in population databases (ExAC no frequency). This sequence change replaces phenylalanine with leucine at codon 639 of the GRM6 protein (p.Phe639Leu). The phenylalanine residue is highly conserved and there is a small physicochemical difference between phenylalanine and leucine.

NM_000843.4(GRM6):c.1917C>A (p.Phe639Leu)

Genes: GRM6 (glutamate metabotropic receptor 6; minus strand), ZNF454 (zinc finger protein 454; plus strand). Cytogenetic location: 5q35.3.
Variant type: single nucleotide variant.
Coding change: c.1917C>A on transcript NM_000843.4 (MANE Select); coding-DNA position 1917, C replaced by A.
Protein change: p.Phe639Leu; replaces phenylalanine 639 with leucine.
Molecular consequence: missense variant.
Genome position (GRCh38, 1-based): chr5:178,986,337, G>T on the plus strand (C>A on the coding strand, the complement: GRM6 is on the minus strand). VCF-style: chr5-178986337-G-T. GRCh37 (hg19) VCF-style: chr5-178413338-G-T.
Other names: c.1917C>A (NM_000843.3); short protein forms F639L.
Identifiers: ClinVar variation 1347396 (VCV001347396.9), dbSNP rs1056667147, ClinGen allele CA133023171.